The following is an entry in ClinVar:

NM_000338.3(SLC12A1):c.875C>T (p.Ser292Leu)

Gene: SLC12A1 (solute carrier family 12 member 1; plus strand). Cytogenetic location: 15q21.1.
Variant type: single nucleotide variant.
Coding change: c.875C>T on transcript NM_000338.3 (MANE Select); coding-DNA position 875, C replaced by T.
Protein change: p.Ser292Leu; replaces serine 292 with leucine.
Molecular consequence: missense variant.
Genome position (GRCh38, 1-based): chr15:48,230,403, C>T. VCF-style: chr15-48230403-C-T. GRCh37 (hg19) VCF-style: chr15-48522600-C-T.
Other names: c.875C>T, p.Ser292Leu (NM_001184832.2, NM_001384136.1); short protein forms S292L.
Identifiers: ClinVar variation 4690400 (VCV004690400.1).
Genomic context (GRCh38, chr15:48,230,403, plus strand): 5'-TCACATGCAAAAAGCTGTATCTCTAAGCACTTAATAATTTGTTTCCCCAGGAGAGTGATT[C>T]GATGATGGTGGATCCAACCAATGACATCCGGATTATAGGCTCCATCACAGTGGTGATTCT-3'
Protein context (NP_000329.2, residues 282-302): TVVDLLKESD[Ser292Leu]MMVDPTNDIR

ClinVar aggregate classification (germline): Uncertain significance (1 of 4 stars; one submission).

gnomAD v4.1: 257 of 1,608,764 alleles (0.016%); highest among the groups gnomAD compares: Admixed American, 0.03%; no homozygotes.

Submission:

Labcorp Genetics (formerly Invitae), Labcorp
Classification: Uncertain significance. Last evaluated: 2025-01-31. Review status: criteria provided, single submitter. Criteria: Invitae Variant Classification Sherloc (09022015). Collection method: clinical testing. Allele origin: germline.
Comment: This sequence change replaces serine, which is neutral and polar, with leucine, which is neutral and non-polar, at codon 292 of the SLC12A1 protein (p.Ser292Leu). This variant is present in population databases (rs201820156, gnomAD 0.02%). This variant has not been reported in the literature in individuals affected with SLC12A1-related conditions. Invitae Evidence Modeling of protein sequence and biophysical properties (such as structural, functional, and spatial information, amino acid conservation, physicochemical variation, residue mobility, and thermodynamic stability) indicates that this missense variant is not expected to disrupt SLC12A1 protein function with a negative predictive value of 95%. In summary, the available evidence is currently insufficient to determine the role of this variant in disease. Therefore, it has been classified as a Variant of Uncertain Significance.